The following is an entry in ClinVar:

ClinVar aggregate classification (germline): Uncertain significance. Review status: criteria provided, multiple submitters, no conflicts (2 of 4 stars). 2 submissions from 2 submitters: Uncertain significance (2). Last evaluated 2025-08-04.

Conditions:
Inborn genetic diseases. Identifiers: MedGen C0950123, MeSH D030342.

gnomAD v4.1: 3 of 1,596,846 alleles (0.00019%); highest among the groups gnomAD compares: East Asian, 0.0023%; no homozygotes.

Submissions (2):

Ambry Genetics
Classification: Uncertain significance for Inborn genetic diseases. Last evaluated: 2025-08-04. Review status: criteria provided, single submitter. Criteria: Ambry Variant Classification Scheme 2023. Collection method: clinical testing. Allele origin: germline.

Labcorp Genetics (formerly Invitae), Labcorp
Classification: Uncertain significance. Last evaluated: 2025-03-17. Review status: criteria provided, single submitter. Criteria: Invitae Variant Classification Sherloc (09022015). Collection method: clinical testing. Allele origin: germline.
Comment: This sequence change replaces histidine, which is basic and polar, with aspartic acid, which is acidic and polar, at codon 1900 of the KIAA1549 protein (p.His1900Asp). This variant is not present in population databases (gnomAD no frequency). This variant has not been reported in the literature in individuals affected with KIAA1549-related conditions. ClinVar contains an entry for this variant (Variation ID: 1429504). An algorithm developed to predict the effect of missense changes on protein structure and function (PolyPhen-2) suggests that this variant is likely to be disruptive. In summary, the available evidence is currently insufficient to determine the role of this variant in disease. Therefore, it has been classified as a Variant of Uncertain Significance.

NM_001164665.2(KIAA1549):c.5698C>G (p.His1900Asp)

Gene: KIAA1549 (KIAA1549; minus strand). Cytogenetic location: 7q34.
Variant type: single nucleotide variant.
Coding change: c.5698C>G on transcript NM_001164665.2 (MANE Select); coding-DNA position 5698, C replaced by G.
Protein change: p.His1900Asp; replaces histidine 1900 with aspartic acid.
Molecular consequence: missense variant.
Genome position (GRCh38, 1-based): chr7:138,838,061, G>C on the plus strand (C>G on the coding strand, the complement: KIAA1549 is on the minus strand). VCF-style: chr7-138838061-G-C. GRCh37 (hg19) VCF-style: chr7-138522806-G-C.
Other names: c.5698C>G (NM_001164665.1); c.5650C>G, p.His1884Asp (NM_020910.3); short protein forms H1884D, H1900D.
Identifiers: ClinVar variation 1429504 (VCV001429504.7), dbSNP rs573970210, ClinGen allele CA369383878.